The following is an entry in ClinVar:

ClinVar aggregate classification (germline): Uncertain significance (1 of 4 stars; one submission).

Allele frequency attached by ClinVar (database versions not stated): gnomAD exomes below 0.00001; TOPMed below 0.00001.
gnomAD v4.1: 1 of 1,487,616 alleles (0.000067%); highest among the groups gnomAD compares: Non-Finnish European, 0.000089%; no homozygotes.

Submission:

Labcorp Genetics (formerly Invitae), Labcorp
Classification: Uncertain significance. Last evaluated: 2022-04-08. Review status: criteria provided, single submitter. Criteria: Invitae Variant Classification Sherloc (09022015). Collection method: clinical testing. Allele origin: germline.
Comment: This sequence change replaces glycine, which is neutral and non-polar, with arginine, which is basic and polar, at codon 30 of the TK2 protein (p.Gly30Arg). This variant is not present in population databases (gnomAD no frequency). This variant has not been reported in the literature in individuals affected with TK2-related conditions. Advanced modeling of protein sequence and biophysical properties (such as structural, functional, and spatial information, amino acid conservation, physicochemical variation, residue mobility, and thermodynamic stability) performed at Invitae indicates that this missense variant is not expected to disrupt TK2 protein function. In summary, the available evidence is currently insufficient to determine the role of this variant in disease. Therefore, it has been classified as a Variant of Uncertain Significance.

NM_004614.5(TK2):c.88G>A (p.Gly30Arg)

Genes: TK2 (thymidine kinase 2; minus strand), LOC130059156 (ATAC-STARR-seq lymphoblastoid silent region 7560; plus strand). Cytogenetic location: 16q21.
Variant type: single nucleotide variant.
Coding change: c.88G>A on transcript NM_004614.5 (MANE Select); coding-DNA position 88, G replaced by A.
Protein change: p.Gly30Arg; replaces glycine 30 with arginine.
Molecular consequence: missense variant. On other transcripts: 5 prime UTR variant (2), non-coding transcript variant (1), intron variant (2).
Genome position (GRCh38, 1-based): chr16:66,549,974, C>T on the plus strand (G>A on the coding strand, the complement: TK2 is on the minus strand). VCF-style: chr16-66549974-C-T. GRCh37 (hg19) VCF-style: chr16-66583877-C-T.
Other names: c.88G>A, p.Gly30Arg (NM_001172644.2, NM_001172645.2); c.-155G>A (NM_001271934.2); c.-565G>A (NM_001272050.2); c.31+279G>A (NM_001271935.1, NM_001172643.1); short protein forms G30R.
Identifiers: ClinVar variation 2123001 (VCV002123001.4), dbSNP rs1336391671, ClinGen allele CA396193596.